The following is an entry in ClinVar:

NM_182641.4(BPTF):c.5073G>T (p.Met1691Ile)

Gene: BPTF (bromodomain PHD finger transcription factor; plus strand). Cytogenetic location: 17q24.2.
Variant type: single nucleotide variant.
Coding change: c.5073G>T on transcript NM_182641.4 (MANE Select); coding-DNA position 5073, G replaced by T.
Protein change: p.Met1691Ile; replaces methionine 1691 with isoleucine.
Molecular consequence: missense variant.
Genome position (GRCh38, 1-based): chr17:67,912,957, G>T. VCF-style: chr17-67912957-G-T. GRCh37 (hg19) VCF-style: chr17-65909073-G-T.
Other names: c.5451G>T, p.Met1817Ile (NM_004459.7); short protein forms M1817I, M1691I.
Identifiers: ClinVar variation 2074987 (VCV002074987.4), dbSNP rs143014087, ClinGen allele CA8725906.

ClinVar aggregate classification (germline): Uncertain significance (1 of 4 stars; one submission).

Allele frequency attached by ClinVar (database versions not stated): ExAC 0.00007; gnomAD 0.00009; TOPMed 0.00010; ESP Exome Variant Server 0.00038.

Submission:

Labcorp Genetics (formerly Invitae), Labcorp
Classification: Uncertain significance. Last evaluated: 2025-06-01. Review status: criteria provided, single submitter. Criteria: Invitae Variant Classification Sherloc (09022015). Collection method: clinical testing. Allele origin: germline.
Comment: This sequence change replaces methionine, which is neutral and non-polar, with isoleucine, which is neutral and non-polar, at codon 1817 of the BPTF protein (p.Met1817Ile). This variant is present in population databases (rs143014087, gnomAD 0.01%). This variant has not been reported in the literature in individuals affected with BPTF-related conditions. ClinVar contains an entry for this variant (Variation ID: 2074987). An algorithm developed to predict the effect of missense changes on protein structure and function (PolyPhen-2) suggests that this variant is likely to be disruptive. In summary, the available evidence is currently insufficient to determine the role of this variant in disease. Therefore, it has been classified as a Variant of Uncertain Significance.